The following is an entry in ClinVar:

NM_018975.4(TERF2IP):c.326C>G (p.Thr109Ser)

Gene: TERF2IP (TERF2 interacting protein; plus strand). Cytogenetic location: 16q23.1.
Variant type: single nucleotide variant.
Coding change: c.326C>G on transcript NM_018975.4 (MANE Select); coding-DNA position 326, C replaced by G.
Protein change: p.Thr109Ser; replaces threonine 109 with serine.
Molecular consequence: missense variant. On other transcripts: non-coding transcript variant (1).
Genome position (GRCh38, 1-based): chr16:75,648,208, C>G. VCF-style: chr16-75648208-C-G. GRCh37 (hg19) VCF-style: chr16-75682106-C-G.
Other names: short protein forms T109S.
Identifiers: ClinVar variation 1729605 (VCV001729605.3), dbSNP rs1385895292, ClinGen allele CA396817675.

ClinVar aggregate classification (germline): Uncertain significance (1 of 4 stars; one submission).

Allele frequency attached by ClinVar (database versions not stated): gnomAD exomes below 0.00001.

Submission:

Ambry Genetics
Classification: Uncertain significance. Last evaluated: 2024-07-19. Review status: criteria provided, single submitter. Criteria: Ambry Variant Classification Scheme 2023. Collection method: clinical testing. Allele origin: germline.
Comment: The p.T109S variant (also known as c.326C>G), located in coding exon 1 of the TERF2IP gene, results from a C to G substitution at nucleotide position 326. The threonine at codon 109 is replaced by serine, an amino acid with similar properties. This amino acid position is conserved. In addition, this alteration is predicted to be tolerated by in silico analysis. Since supporting evidence is limited at this time, the clinical significance of this alteration remains unclear.